The following is an entry in ClinVar:

ClinVar aggregate classification (germline): Likely benign. Review status: criteria provided, multiple submitters, no conflicts (2 of 4 stars). 2 submissions from 2 submitters: Likely benign (2). Last evaluated 2026-05-01.

Allele frequency attached by ClinVar (database versions not stated): gnomAD exomes 0.00039; ExAC 0.00153; gnomAD 0.00408; TOPMed 0.00421; ESP Exome Variant Server 0.00484; 1000 Genomes Project 0.00539; 1000 Genomes Project 30x 0.00547.
gnomAD v4.1: 1,183 of 1,547,968 alleles (0.076%); highest among the groups gnomAD compares: African/African-American, 1.4%; 5 homozygotes.

Submissions (2):

CeGaT Center for Human Genetics Tuebingen
Classification: Likely benign. Last evaluated: 2026-05-01. Review status: criteria provided, single submitter. Criteria: CeGaT Center For Human Genetics Tuebingen Variant Classification Criteria Version 2. Collection method: clinical testing. Allele origin: germline. Affected: yes. Observed: 6 variant alleles.
Comment: TMEM94: BS1

Blueprint Genetics
Classification: Likely benign. Last evaluated: 2024-10-18. Review status: criteria provided, single submitter. Criteria: ACMG Guidelines, 2015. Collection method: clinical testing. Allele origin: germline.

NM_014738.6(TMEM94):c.3837T>A (p.Gly1279=)

Gene: TMEM94 (transmembrane protein 94; plus strand). Cytogenetic location: 17q25.1.
Variant type: single nucleotide variant.
Coding change: c.3837T>A on transcript NM_014738.6 (MANE Select); coding-DNA position 3837, T replaced by A.
Protein change: p.Gly1279=; no amino-acid change (glycine 1279 retained).
Molecular consequence: synonymous variant.
Genome position (GRCh38, 1-based): chr17:75,498,921, T>A. VCF-style: chr17-75498921-T-A. GRCh37 (hg19) VCF-style: chr17-73495002-T-A.
Other names: c.3867T>A, p.Gly1289= (NM_001321148.2); c.3849T>A, p.Gly1283= (NM_001321149.2); c.3789T>A, p.Gly1263= (NM_001351202.2); c.3864T>A, p.Gly1288= (NM_001351203.2).
Identifiers: ClinVar variation 2648262 (VCV002648262.25), dbSNP rs140791256, ClinGen allele CA8762659.
Genomic context (GRCh38, chr17:75,498,921, plus strand): 5'-GGGAAGGAAGCAAGCAGTGTCGGGTTCACACGGGGCCGCCACCTCCTGCAGGCTGCTGGG[T>A]CAGGTGGTCCAGACGGCTGTGGACCTGCAGCTGTGGACACACAGGGACAGCCACGTCCAC-3'
Protein context (NP_055553.3, residues 1269-1289): WAVTVPVVLL[Gly1279=]QVVQTAVDLQ